The following is an entry in ClinVar:

ClinVar aggregate classification (germline): Uncertain significance (1 of 4 stars; one submission).

Conditions:
Perlman syndrome (PRLMNS). Identifiers: Orphanet 2849, MedGen C0796113, MONDO:0009965, OMIM 267000.

Allele frequency attached by ClinVar (database versions not stated): gnomAD exomes below 0.00001; TOPMed below 0.00001.
gnomAD v4.1: 1 of 1,614,160 alleles (0.000062%); highest among the groups gnomAD compares: Admixed American, 0.0017%; no homozygotes.

Submission:

Labcorp Genetics (formerly Invitae), Labcorp
Classification: Uncertain significance for Perlman syndrome. Last evaluated: 2025-07-30. Review status: criteria provided, single submitter. Criteria: Invitae Variant Classification Sherloc (09022015). Collection method: clinical testing. Allele origin: germline.
Comment: This sequence change replaces leucine, which is neutral and non-polar, with phenylalanine, which is neutral and non-polar, at codon 477 of the DIS3L2 protein (p.Leu477Phe). This variant is present in population databases (no rsID available, gnomAD 0.003%). This variant has not been reported in the literature in individuals affected with DIS3L2-related conditions. ClinVar contains an entry for this variant (Variation ID: 410757). Invitae Evidence Modeling of protein sequence and biophysical properties (such as structural, functional, and spatial information, amino acid conservation, physicochemical variation, residue mobility, and thermodynamic stability) indicates that this missense variant is not expected to disrupt DIS3L2 protein function with a negative predictive value of 80%. In summary, the available evidence is currently insufficient to determine the role of this variant in disease. Therefore, it has been classified as a Variant of Uncertain Significance.

NM_152383.5(DIS3L2):c.1429C>T (p.Leu477Phe)

Gene: DIS3L2 (DIS3 like 3'-5' exoribonuclease 2; plus strand). Cytogenetic location: 2q37.1.
Variant type: single nucleotide variant.
Coding change: c.1429C>T on transcript NM_152383.5 (MANE Select); coding-DNA position 1429, C replaced by T.
Protein change: p.Leu477Phe; replaces leucine 477 with phenylalanine.
Molecular consequence: missense variant. On other transcripts: non-coding transcript variant (2).
Genome position (GRCh38, 1-based): chr2:232,263,210, C>T. VCF-style: chr2-232263210-C-T. GRCh37 (hg19) VCF-style: chr2-233127920-C-T.
Other names: c.1429C>T, p.Leu477Phe (NM_001257281.2); short protein forms L477F.
Identifiers: ClinVar variation 410757 (VCV000410757.9), dbSNP rs1060503031, ClinGen allele CA16610635.